The following is an entry in ClinVar:

NM_177559.3(CSNK2A1):c.888G>A (p.Glu296=)

Gene: CSNK2A1 (casein kinase 2 alpha 1; minus strand). Cytogenetic location: 20p13.
Variant type: single nucleotide variant.
Coding change: c.888G>A on transcript NM_177559.3 (MANE Select); coding-DNA position 888, G replaced by A.
Protein change: p.Glu296=; no amino-acid change (glutamic acid 296 retained).
Molecular consequence: synonymous variant.
Genome position (GRCh38, 1-based): chr20:487,512, C>T on the plus strand (G>A on the coding strand, the complement: CSNK2A1 is on the minus strand). VCF-style: chr20-487512-C-T. GRCh37 (hg19) VCF-style: chr20-468156-C-T.
Other names: c.888G>A, p.Glu296= (NM_001362770.2, NM_001362771.2, NM_001895.4); c.480G>A, p.Glu160= (NM_177560.3).
Identifiers: ClinVar variation 4872680 (VCV004872680.2).

ClinVar aggregate classification (germline): Likely benign (1 of 4 stars; one submission).

gnomAD v4.1: 297 of 1,614,202 alleles (0.018%); highest among the groups gnomAD compares: Non-Finnish European, 0.023%; no homozygotes.

Submission:

CeGaT Center for Human Genetics Tuebingen
Classification: Likely benign. Last evaluated: 2026-04-01. Review status: criteria provided, single submitter. Criteria: CeGaT Center For Human Genetics Tuebingen Variant Classification Criteria Version 2. Collection method: clinical testing. Allele origin: germline. Affected: yes. Observed: 1 variant allele.
Comment: CSNK2A1: BP4, BP7